The following is an entry in ClinVar:

NM_003153.5(STAT6):c.2422G>C (p.Glu808Gln)

Gene: STAT6 (signal transducer and activator of transcription 6; minus strand). Cytogenetic location: 12q13.3.
Variant type: single nucleotide variant.
Coding change: c.2422G>C on transcript NM_003153.5 (MANE Select); coding-DNA position 2422, G replaced by C.
Protein change: p.Glu808Gln; replaces glutamic acid 808 with glutamine.
Molecular consequence: missense variant. On other transcripts: non-coding transcript variant (1).
Genome position (GRCh38, 1-based): chr12:57,096,694, C>G on the plus strand (G>C on the coding strand, the complement: STAT6 is on the minus strand). VCF-style: chr12-57096694-C-G. GRCh37 (hg19) VCF-style: chr12-57490477-C-G.
Other names: c.2422G>C, p.Glu808Gln (NM_001178079.2, NM_001178078.2); c.2092G>C, p.Glu698Gln (NM_001178080.2, NM_001178081.2); short protein forms E698Q, E808Q.
Identifiers: ClinVar variation 4855754 (VCV004855754.1).

ClinVar aggregate classification (germline): Uncertain significance (1 of 4 stars; one submission).

Conditions:
Hyper-IgE syndrome 6, autosomal dominant, with recurrent infections (HIES6). Identifiers: MedGen C5848786, MONDO:0957807, OMIM 620532.

Submission:

3billion
Classification: Uncertain significance for Hyper-IgE syndrome 6, autosomal dominant, with recurrent infections. Last evaluated: 2025-10-29. Review status: criteria provided, single submitter. Criteria: ACMG Guidelines, 2015. Collection method: clinical testing. Allele origin: germline. Affected: yes.
Comment: The variant is not observed in the gnomAD v4.1.0 dataset. Predicted Consequence/Location: Missense variant. Missense changes are a common disease-causing mechanism. In silico tool predictions suggest no damaging effect of the variant on gene or gene product [REVEL: 0.31 (<0.4); 3Cnet: 0.00 (<0.1, specificity 0.84 and negative predicitive value 0.97)]. Therefore, this variant is classified as VUS according to the recommendation of ACMG/AMP guideline.